The following is an entry in ClinVar:

ClinVar aggregate classification (germline): Uncertain significance. Review status: criteria provided, multiple submitters, no conflicts (2 of 4 stars). 3 submissions from 3 submitters: Uncertain significance (3). Last evaluated 2024-10-24.

Conditions:
de Barsy syndrome. Also called: Cutis laxa-corneal clouding-oligophrenia syndrome. Identifiers: Orphanet 2962, MedGen C0268354, MONDO:0017569.
Cutis laxa, autosomal dominant 3 (ADCL3). Identifiers: Orphanet 90348, MedGen C4225268, MONDO:0014706, OMIM 616603.
Autosomal dominant spastic paraplegia type 9. Identifiers: MedGen C1832669, MONDO:0015091.
Hereditary spastic paraplegia 9A. Also called: SPASTIC PARAPLEGIA 9A, AUTOSOMAL DOMINANT; CATARACTS WITH MOTOR NEURONOPATHY, SHORT STATURE, AND SKELETAL ABNORMALITIES; SPASTIC PARAPARESIS WITH AMYOTROPHY, CATARACTS, AND GASTROESOPHAGEAL REFLUX. Identifiers: Orphanet 100990, Orphanet 447753, MedGen C5568978, MONDO:0011006, OMIM 601162.
ALDH18A1-related de Barsy syndrome. Also called: DE BARSY SYNDROME A; Cutis laxa, autosomal recessive IIIA. Identifiers: Orphanet 2962, Orphanet 35664, MedGen C5234852, MONDO:0009053, OMIM 219150.
Autosomal recessive complex spastic paraplegia type 9B. Also called: Spastic paraplegia 9b, autosomal recessive. Identifiers: Orphanet 447760, MedGen C5568980, MONDO:0014702, OMIM 616586.

gnomAD v4.1: 29 of 1,613,934 alleles (0.0018%); highest among the groups gnomAD compares: African/African-American, 0.015%; no homozygotes.

Submissions (3):

Labcorp Genetics (formerly Invitae), Labcorp
Classification: Uncertain significance for Autosomal dominant spastic paraplegia type 9; de Barsy syndrome; Cutis laxa, autosomal dominant 3. Last evaluated: 2024-10-24. Review status: criteria provided, single submitter. Criteria: Invitae Variant Classification Sherloc (09022015). Collection method: clinical testing. Allele origin: germline.
Comment: This sequence change replaces alanine, which is neutral and non-polar, with threonine, which is neutral and polar, at codon 444 of the ALDH18A1 protein (p.Ala444Thr). This variant is present in population databases (rs373404824, gnomAD 0.02%). This variant has not been reported in the literature in individuals affected with ALDH18A1-related conditions. Invitae Evidence Modeling of protein sequence and biophysical properties (such as structural, functional, and spatial information, amino acid conservation, physicochemical variation, residue mobility, and thermodynamic stability) has been performed for this missense variant. However, the output from this modeling did not meet the statistical confidence thresholds required to predict the impact of this variant on ALDH18A1 protein function. In summary, the available evidence is currently insufficient to determine the role of this variant in disease. Therefore, it has been classified as a Variant of Uncertain Significance.

Mayo Clinic Laboratories, Mayo Clinic
Classification: Uncertain significance. Last evaluated: 2023-09-05. Review status: criteria provided, single submitter. Criteria: ACMG Guidelines, 2015. Collection method: clinical testing. Allele origin: germline. Observed: 1 variant allele.

Juno Genomics, Hangzhou Juno Genomics, Inc
Classification: Uncertain significance for Cutis laxa, autosomal dominant 3; ALDH18A1-related de Barsy syndrome; Hereditary spastic paraplegia 9A; Autosomal recessive complex spastic paraplegia type 9B. Review status: criteria provided, single submitter. Criteria: ACMG Guidelines, 2015. Collection method: clinical testing. Allele origin: germline.
Comment: Absent from controls (or at extremely low frequency if recessive) in Genome Aggregation Database.;Multiple lines of computational evidence support a deleterious effect on the gene or gene product.

NM_002860.4(ALDH18A1):c.1330G>A (p.Ala444Thr)

Gene: ALDH18A1 (aldehyde dehydrogenase 18 family member A1; minus strand). Cytogenetic location: 10q24.1.
Variant type: single nucleotide variant.
Coding change: c.1330G>A on transcript NM_002860.4 (MANE Select); coding-DNA position 1330, G replaced by A.
Protein change: p.Ala444Thr; replaces alanine 444 with threonine.
Molecular consequence: missense variant.
Genome position (GRCh38, 1-based): chr10:95,621,168, C>T on the plus strand (G>A on the coding strand, the complement: ALDH18A1 is on the minus strand). VCF-style: chr10-95621168-C-T. GRCh37 (hg19) VCF-style: chr10-97380925-C-T.
Other names: p.Ala444Thr; c.991G>A, p.Ala331Thr (NM_001323418.2); c.694G>A, p.Ala232Thr (NM_001323419.2); c.1324G>A, p.Ala442Thr (NM_001017423.2, NM_001323415.2); c.997G>A, p.Ala333Thr (NM_001323412.2, NM_001323416.2); c.1330G>A, p.Ala444Thr (NM_001323413.2, NM_001323414.2); c.1225G>A, p.Ala409Thr (NM_001323417.2); short protein forms A333T, A444T, A232T, A409T, A331T, A442T.
Identifiers: ClinVar variation 2923201 (VCV002923201.6), dbSNP rs373404824, ClinGen allele CA5620347.